The following is an entry in ClinVar:

NM_015102.5(NPHP4):c.2203C>T (p.Arg735Trp)

Gene: NPHP4 (nephrocystin 4; minus strand). Cytogenetic location: 1p36.31.
Variant type: single nucleotide variant.
Coding change: c.2203C>T on transcript NM_015102.5 (MANE Select); coding-DNA position 2203, C replaced by T.
Protein change: p.Arg735Trp; replaces arginine 735 with tryptophan.
Molecular consequence: missense variant. On other transcripts: non-coding transcript variant (1).
Genome position (GRCh38, 1-based): chr1:5,890,969, G>A on the plus strand (C>T on the coding strand, the complement: NPHP4 is on the minus strand). VCF-style: chr1-5890969-G-A. GRCh37 (hg19) VCF-style: chr1-5951029-G-A.
Other names: c.664C>T, p.Arg222Trp (NM_001291593.2); c.667C>T, p.Arg223Trp (NM_001291594.2); short protein forms R735W, R222W, R223W.
Identifiers: ClinVar variation 194765 (VCV000194765.34), dbSNP rs191913664, ClinGen allele CA240913.

ClinVar aggregate classification (germline): Conflicting classifications of pathogenicity. Review status: criteria provided, conflicting classifications (1 of 4 stars). 13 submissions from 12 submitters: Uncertain significance (9); Likely benign (2). 2 of the submissions do not count toward it. Last evaluated 2026-07-07.

Conditions:
Nephronophthisis 4 (NPHP4). Also called: NEPHRONOPHTHISIS 4, JUVENILE. Identifiers: Orphanet 655, MedGen C1847013, MONDO:0011752, OMIM 606966.
Senior-Loken syndrome 4 (SLSN4). Identifiers: Orphanet 3156, MedGen C1846979, MONDO:0011756, OMIM 606996.
Focal segmental glomerulosclerosis (FSGS). Also called: Glomerulosclerosis, focal; Focal sclerosis with hyalinosis. Identifiers: MedGen C0017668, MONDO:0100313, HP:0000097. Disease mechanism: loss of function.
NPHP4-related disorder. Also called: NPHP4-related condition; NPHP4-related disorders. Identifiers: MedGen CN239384.
Nephronophthisis. Also called: Juvenile Nephronophthisis. Identifiers: Orphanet 655, MedGen C0687120, MONDO:0019005, HP:0000090.

Allele frequency attached by ClinVar (database versions not stated): gnomAD exomes 0.00028 and 0.00040; 1000 Genomes Project 30x 0.00031; 1000 Genomes Project 0.00040; ExAC 0.00040; TOPMed 0.00116; ESP Exome Variant Server 0.00057; gnomAD 0.00088 and 0.00096.

Submissions (13):

PreventionGenetics, part of Exact Sciences
Classification: Uncertain significance for NPHP4-related condition. Last evaluated: 2026-07-07. Review status: criteria provided, single submitter. Criteria: ACMG Guidelines, 2015. Collection method: clinical testing. Allele origin: germline.
Comment: The NPHP4 c.2203C>T variant is predicted to result in the amino acid substitution p.Arg735Trp. This variant has been reported along with two other NPHP4 variants (c.2951C>T, p.Thr984Met and c.2965G>A, p.Glu989Lys) in an individual with Senior–Løken syndrome (Sallum et al. 2020. PubMed ID: 32865313). This variant has also been found in the heterozygous state or along with the c.2965G>A (p.Glu989Lys) variant in individuals with nephronophthisis or chronic kidney disease (Hoefele et al. 2005. PubMed ID: 15776426; Tables S2 and S3, König et al. 2022. PubMed ID: 36090483; Al-Hamed et al. 2022. PubMed ID: 36177613) and has been documented in an individual from a retinal dystrophy cohort (Table S12, Diñeiro et al. 2020. PubMed ID: 32483926). However, this variant is reported in 0.21% of alleles in individuals of African descent in gnomAD, which may be too frequent to be a primary cause of disease. Although we suspect this variant may be benign, at this time its clinical significance is uncertain due to the absence of conclusive functional and genetic evidence.

Labcorp Genetics (formerly Invitae), Labcorp
Classification: Likely benign for Nephronophthisis. Last evaluated: 2025-12-19. Review status: criteria provided, single submitter. Criteria: Invitae Variant Classification Sherloc (09022015). Collection method: clinical testing. Allele origin: germline.

Blueprint Genetics
Classification: Likely benign. Last evaluated: 2024-10-25. Review status: criteria provided, single submitter. Criteria: ACMG Guidelines, 2015. Collection method: clinical testing. Allele origin: germline.

Fulgent Genetics
Classification: Uncertain significance for Nephronophthisis 4; Senior-Loken syndrome 4. Last evaluated: 2023-12-30. Review status: criteria provided, single submitter. Criteria: ACMG Guidelines, 2015. Collection method: clinical testing. Allele origin: germline.

Clinical Genomics Laboratory, Stanford Medicine
Classification: Uncertain significance for Focal segmental glomerulosclerosis; Nephronophthisis 4; Senior-Loken syndrome 4. Last evaluated: 2023-08-15. Review status: criteria provided, single submitter. Criteria: ACMG Guidelines, 2015. Collection method: clinical testing. Allele origin: germline. Observed: 1 variant allele, 1 heterozygote.

GeneDx
Classification: Uncertain significance. Last evaluated: 2022-11-05. Review status: criteria provided, single submitter. Criteria: GeneDx Variant Classification Process June 2021. Collection method: clinical testing. Allele origin: germline. Affected: yes.
Comment: Identified in individuals with nephronophthisis in published literature, although a second NPHP4 variant was not reported for one individual and the other individual had variants in a different gene that may have also contributed to the phenotype (Hoefele et al., 2005; Davis et al., 2011); In silico analysis, which includes protein predictors and evolutionary conservation, supports a deleterious effect; This variant is associated with the following publications: (PMID: 15776426, 21258341, 34426522, 32865313, 32483926)

Mayo Clinic Laboratories, Mayo Clinic
Classification: Uncertain significance. Last evaluated: 2022-01-05. Review status: criteria provided, single submitter. Criteria: ACMG Guidelines, 2015. Collection method: clinical testing. Allele origin: germline.

Mendelics
Classification: Uncertain significance for Nephronophthisis 4. Last evaluated: 2019-05-28. Review status: criteria provided, single submitter. Criteria: Mendelics Assertion Criteria 2017. Collection method: clinical testing. Allele origin: unknown.

Eurofins Ntd Llc (ga)
Classification: Uncertain significance. Last evaluated: 2018-05-10. Review status: criteria provided, single submitter. Criteria: EGL ClinVar v180209 classification definitions. Collection method: clinical testing. Allele origin: germline. Observed: 9 variant alleles, 9 heterozygotes.

Illumina Laboratory Services, Illumina
Classification: Uncertain significance for Senior-Loken syndrome 4. Last evaluated: 2017-04-27. Review status: criteria provided, single submitter. Criteria: ICSL Variant Classification Criteria 13 December 2019. Collection method: clinical testing. Allele origin: germline.

Illumina Laboratory Services, Illumina
Classification: Uncertain significance for Nephronophthisis 4. Last evaluated: 2017-04-27. Review status: criteria provided, single submitter. Criteria: ICSL Variant Classification Criteria 13 December 2019. Collection method: clinical testing. Allele origin: germline.

Clinical Genetics DNA and cytogenetics Diagnostics Lab, Erasmus MC, Erasmus Medical Center
Classification: Uncertain significance. Review status: no assertion criteria provided. Collection method: clinical testing. Allele origin: germline. Affected: yes. Study: VKGL Data-share Consensus. Not counted in ClinVar's aggregate classification.

Clinical Genetics, Academic Medical Center
Classification: Uncertain significance. Review status: no assertion criteria provided. Collection method: clinical testing. Allele origin: germline. Affected: yes. Study: VKGL Data-share Consensus. Not counted in ClinVar's aggregate classification.

Literature cited by the submitters: PubMed 15776426 (cited by Eurofins Ntd Llc (ga)).